The following is an entry in ClinVar:

NM_005732.4(RAD50):c.3722_3745delinsGCGTA (p.Asn1241fs)

Genes: RAD50 (RAD50 double strand break repair protein; plus strand), TH2-LCR (Th2 cytokine locus control region; plus strand), TH2LCRR (T helper type 2 locus control region associated RNA; minus strand). Cytogenetic location: 5q31.1.
Variant type: Indel.
Coding change: c.3722_3745delinsGCGTA on transcript NM_005732.4 (MANE Select); coding-DNA positions 3722 to 3745, ACATTGAATCTCTTGCACATGCTC replaced by GCGTA.
Protein change: p.Asn1241fs; shifts the reading frame from asparagine 1241.
Molecular consequence: frameshift variant.
Genome position (GRCh38, 1-based): chr5:132,640,775-132,640,798, ACATTGAATCTCTTGCACATGCTC replaced by GCGTA. VCF-style: chr5-132640775-ACATTGAATCTCTTGCACATGCTC-GCGTA. GRCh37 (hg19) VCF-style: chr5-131976467-ACATTGAATCTCTTGCACATGCTC-GCGTA.
Other names: short protein forms N1241fs.
Identifiers: ClinVar variation 1734304 (VCV001734304.2), dbSNP rs2479435369, ClinGen allele CA2580072775.
Genomic context (GRCh38, chr5:132,640,775, plus strand): 5'-TCTGCCTCAACTGTGGCATCATTGCCTTGGATGAGCCAACAACAAATCTTGACCGAGAAA[ACATTGAATCTCTTGCACATGCTC>GCGTA]TGGTTGAGTAAGTATCTCTTGCACATGCTCTGGTTGAGTAAGTATCTCACATTTGGGGAC-3'

ClinVar aggregate classification (germline): Likely pathogenic (1 of 4 stars; one submission).

Conditions:
Hereditary cancer-predisposing syndrome. Also called: Neoplastic Syndromes, Hereditary; Tumor predisposition; Hereditary Cancer Syndrome; Hereditary neoplastic syndrome. Identifiers: Orphanet 140162, MedGen C0027672, MeSH D009386, MONDO:0015356.

Submission:

Ambry Genetics
Classification: Likely pathogenic for Hereditary cancer-predisposing syndrome. Last evaluated: 2021-08-30. Review status: criteria provided, single submitter. Criteria: Ambry Variant Classification Scheme 2023. Collection method: clinical testing. Allele origin: germline.
Comment: The c.3722_3745del24insGCGTA variant, located in coding exon 24 of the RAD50 gene, results from the deletion of 24 nucleotides and insertion of 5 nucleotides causing a translational frameshift with a predicted alternate stop codon (p.N1241Sfs*6). This alteration occurs at the 3' terminus of theRAD50 gene, is not expected to trigger nonsense-mediated mRNA decay, and only impacts the last 72 amino acids of the protein. However, premature stop codons are typically deleterious in nature and the impacted region is critical for protein function (Ambry internal data). This variant is considered to be rare based on population cohorts in the Genome Aggregation Database (gnomAD). Based on the majority of available evidence to date, this variant is likely to be pathogenic.